The following is an entry in ClinVar:

ClinVar aggregate classification (germline): Uncertain significance (1 of 4 stars; one submission).

Submission:

Labcorp Genetics (formerly Invitae), Labcorp
Classification: Uncertain significance. Last evaluated: 2025-11-22. Review status: criteria provided, single submitter. Criteria: Invitae Variant Classification Sherloc (09022015). Collection method: clinical testing. Allele origin: germline.
Comment: This sequence change replaces lysine, which is basic and polar, with glutamic acid, which is acidic and polar, at codon 800 of the RP1 protein (p.Lys800Glu). This variant is not present in population databases (gnomAD no frequency). This variant has not been reported in the literature in individuals affected with RP1-related conditions. An algorithm developed to predict the effect of missense changes on protein structure and function outputs the following: PolyPhen-2: "Benign". The glutamic acid amino acid residue is found in multiple mammalian species, which suggests that this missense change does not adversely affect protein function. In summary, the available evidence is currently insufficient to determine the role of this variant in disease. Therefore, it has been classified as a Variant of Uncertain Significance.

NM_006269.2(RP1):c.2398A>G (p.Lys800Glu)

Gene: RP1 (RP1 axonemal microtubule associated; plus strand). Cytogenetic location: 8q12.1.
Variant type: single nucleotide variant.
Coding change: c.2398A>G on transcript NM_006269.2 (MANE Select); coding-DNA position 2398, A replaced by G.
Protein change: p.Lys800Glu; replaces lysine 800 with glutamic acid.
Molecular consequence: missense variant. On other transcripts: intron variant (1).
Genome position (GRCh38, 1-based): chr8:54,626,280, A>G. VCF-style: chr8-54626280-A-G. GRCh37 (hg19) VCF-style: chr8-55538840-A-G.
Other names: c.787+3992A>G (NM_001375654.1); short protein forms K800E.
Identifiers: ClinVar variation 4773461 (VCV004773461.1).